The following is an entry in ClinVar:

NM_007227.3(GPR45):c.1011G>A (p.Glu337=)

Gene: GPR45 (G protein-coupled receptor 45; plus strand). Cytogenetic location: 2q12.1.
Variant type: single nucleotide variant.
Coding change: c.1011G>A on transcript NM_007227.3 (MANE Select); coding-DNA position 1011, G replaced by A.
Protein change: p.Glu337=; no amino-acid change (glutamic acid 337 retained).
Molecular consequence: synonymous variant.
Genome position (GRCh38, 1-based): chr2:105,242,869, G>A. VCF-style: chr2-105242869-G-A. GRCh37 (hg19) VCF-style: chr2-105859326-G-A.
Identifiers: ClinVar variation 2416523 (VCV002416523.17), dbSNP rs779119601, ClinGen allele CA1813690.

ClinVar aggregate classification (germline): Likely benign. Review status: criteria provided, multiple submitters, no conflicts (2 of 4 stars). 2 submissions from 2 submitters: Likely benign (2). Last evaluated 2025-06-01.

Allele frequency attached by ClinVar (database versions not stated): gnomAD 0.00001; ExAC 0.00011.

Submissions (2):

CeGaT Center for Human Genetics Tuebingen
Classification: Likely benign. Last evaluated: 2025-06-01. Review status: criteria provided, single submitter. Criteria: CeGaT Center For Human Genetics Tuebingen Variant Classification Criteria Version 2. Collection method: clinical testing. Allele origin: germline. Affected: yes. Observed: 1 variant allele.
Comment: GPR45: BP4, BP7

Labcorp Genetics (formerly Invitae), Labcorp
Classification: Likely benign. Last evaluated: 2025-04-07. Review status: criteria provided, single submitter. Criteria: Invitae Variant Classification Sherloc (09022015). Collection method: clinical testing. Allele origin: germline.